The following is an entry in ClinVar:

NM_001267550.2(TTN):c.16805G>A (p.Arg5602Lys)

Genes: TTN (titin; minus strand), LOC126806431 (CDK7 strongly-dependent group 2 enhancer GRCh37_chr2:179595719-179596918; plus strand). Cytogenetic location: 2q31.2.
Variant type: single nucleotide variant.
Coding change: c.16805G>A on transcript NM_001267550.2 (MANE Select); coding-DNA position 16805, G replaced by A.
Protein change: p.Arg5602Lys; replaces arginine 5602 with lysine.
Molecular consequence: missense variant. On other transcripts: intron variant (3).
Genome position (GRCh38, 1-based): chr2:178,732,164, C>T on the plus strand (G>A on the coding strand, the complement: TTN is on the minus strand). VCF-style: chr2-178732164-C-T. GRCh37 (hg19) VCF-style: chr2-179596891-C-T.
Other names: c.15854G>A, p.Arg5285Lys (NM_001256850.1); c.13073G>A, p.Arg4358Lys (NM_133378.4); c.13282+5918G>A (NM_003319.4); c.13858+5918G>A (NM_133437.4); c.13657+5918G>A (NM_133432.3); short protein forms R4358K, R5285K, R5602K.
Identifiers: ClinVar variation 2442429 (VCV002442429.1), dbSNP rs2530110069, ClinGen allele CA349579023.
Genomic context (GRCh38, chr2:178,732,164, plus strand): 5'-GCCTCATTTTGGGCCTCACACATATATTCACCACTGTCTTCGATGCCAACATCTGTCAGT[C>T]TTAGAACTGCAGTAGACTCCACAAAAGACATTCTGTGTTTGCTGCTCTCCTTAATTTCTC-3'
Protein context (NP_001254479.2, residues 5592-5612): MSFVESTAVL[Arg5602Lys]LTDVGIEDSG

ClinVar aggregate classification (germline): Uncertain significance (1 of 4 stars; one submission).

Submission:

GeneDx
Classification: Uncertain significance. Last evaluated: 2022-08-31. Review status: criteria provided, single submitter. Criteria: GeneDx Variant Classification Process June 2021. Collection method: clinical testing. Allele origin: germline. Affected: yes.
Comment: Not observed at significant frequency in large population cohorts (gnomAD); Missense variant in a gene in which most reported pathogenic variants are truncating/loss of function; Has not been previously published as pathogenic or benign to our knowledge